The following is an entry in ClinVar:

NM_000079.4(CHRNA1):c.1184C>A (p.Ala395Asp)

Gene: CHRNA1 (cholinergic receptor nicotinic alpha 1 subunit; minus strand). Cytogenetic location: 2q31.1.
Variant type: single nucleotide variant.
Coding change: c.1184C>A on transcript NM_000079.4 (MANE Select); coding-DNA position 1184, C replaced by A.
Protein change: p.Ala395Asp; replaces alanine 395 with aspartic acid.
Molecular consequence: missense variant.
Genome position (GRCh38, 1-based): chr2:174,748,638, G>T on the plus strand (C>A on the coding strand, the complement: CHRNA1 is on the minus strand). VCF-style: chr2-174748638-G-T. GRCh37 (hg19) VCF-style: chr2-175613366-G-T.
Other names: c.1259C>A, p.Ala420Asp (NM_001039523.3); short protein forms A395D, A420D.
Identifiers: ClinVar variation 4740600 (VCV004740600.1).

ClinVar aggregate classification (germline): Uncertain significance (1 of 4 stars; one submission).

Conditions:
Lethal multiple pterygium syndrome (LMPS). Identifiers: Orphanet 33108, MedGen C1854678, MONDO:0009668, OMIM 253290.

Submission:

Labcorp Genetics (formerly Invitae), Labcorp
Classification: Uncertain significance for Lethal multiple pterygium syndrome. Last evaluated: 2025-05-12. Review status: criteria provided, single submitter. Criteria: Invitae Variant Classification Sherloc (09022015). Collection method: clinical testing. Allele origin: germline.
Comment: This sequence change replaces alanine, which is neutral and non-polar, with aspartic acid, which is acidic and polar, at codon 395 of the CHRNA1 protein (p.Ala395Asp). This variant is not present in population databases (gnomAD no frequency). This variant has not been reported in the literature in individuals affected with CHRNA1-related conditions. Invitae Evidence Modeling of protein sequence and biophysical properties (such as structural, functional, and spatial information, amino acid conservation, physicochemical variation, residue mobility, and thermodynamic stability) indicates that this missense variant is not expected to disrupt CHRNA1 protein function with a negative predictive value of 80%. In summary, the available evidence is currently insufficient to determine the role of this variant in disease. Therefore, it has been classified as a Variant of Uncertain Significance.